The following is an entry in ClinVar:

ClinVar aggregate classification (germline): Uncertain significance (1 of 4 stars; one submission).

Allele frequency attached by ClinVar (database versions not stated): gnomAD 0.00001; TOPMed 0.00001.

Submission:

Labcorp Genetics (formerly Invitae), Labcorp
Classification: Uncertain significance. Last evaluated: 2023-07-13. Review status: criteria provided, single submitter. Criteria: Invitae Variant Classification Sherloc (09022015). Collection method: clinical testing. Allele origin: germline.
Comment: In summary, the available evidence is currently insufficient to determine the role of this variant in disease. Therefore, it has been classified as a Variant of Uncertain Significance. Advanced modeling of protein sequence and biophysical properties (such as structural, functional, and spatial information, amino acid conservation, physicochemical variation, residue mobility, and thermodynamic stability) performed at Invitae indicates that this missense variant is not expected to disrupt KMT2B protein function. This variant has not been reported in the literature in individuals affected with KMT2B-related conditions. The frequency data for this variant in the population databases is considered unreliable, as metrics indicate insufficient coverage at this position in the gnomAD database. This sequence change replaces alanine, which is neutral and non-polar, with valine, which is neutral and non-polar, at codon 59 of the KMT2B protein (p.Ala59Val).

NM_014727.3(KMT2B):c.176C>T (p.Ala59Val)

Genes: KMT2B (lysine methyltransferase 2B; plus strand), LOC130064258 (ATAC-STARR-seq lymphoblastoid silent region 10535; plus strand). Cytogenetic location: 19q13.12.
Variant type: single nucleotide variant.
Coding change: c.176C>T on transcript NM_014727.3 (MANE Select); coding-DNA position 176, C replaced by T.
Protein change: p.Ala59Val; replaces alanine 59 with valine.
Molecular consequence: missense variant.
Genome position (GRCh38, 1-based): chr19:35,718,194, C>T. VCF-style: chr19-35718194-C-T. GRCh37 (hg19) VCF-style: chr19-36209096-C-T.
Other names: short protein forms A59V.
Identifiers: ClinVar variation 2743089 (VCV002743089.3), dbSNP rs887317562, ClinGen allele CA307779984.